The following is an entry in ClinVar:

ClinVar aggregate classification (germline): Uncertain significance. Review status: criteria provided, multiple submitters, no conflicts (2 of 4 stars). 2 submissions from 2 submitters: Uncertain significance (2). Last evaluated 2025-09-02.

Conditions:
Hereditary cancer-predisposing syndrome. Also called: Neoplastic Syndromes, Hereditary; Tumor predisposition; Hereditary Cancer Syndrome; Hereditary neoplastic syndrome. Identifiers: Orphanet 140162, MedGen C0027672, MeSH D009386, MONDO:0015356.
Cardiovascular phenotype. Identifiers: MedGen CN230736.
Noonan syndrome 10 (NS10). Identifiers: Orphanet 648, MedGen C4225280, MONDO:0014693, OMIM 616564.

Submissions (2):

Laboratorio de Biologia Molecular/Medicina Genomica - IFF/Fiocruz, Instituto Fernandes Figueira, Fundacao Oswaldo Cruz
Classification: Uncertain significance for Noonan syndrome 10. Last evaluated: 2025-09-02. Review status: criteria provided, single submitter. Criteria: ACMG Guidelines, 2015. Collection method: clinical testing. Allele origin: germline. Affected: yes. Observed: 1 variant allele.
Comment: Variant: c.901G>T (p.Gly301Cys) in exon 9 of the LZTR1 gene. Protein effect: Missense substitution at a highly conserved residue. In silico tools: Predict a deleterious impact. Population database (gnomAD): Absent. ACMG/AMP criteria applied: PM2_Supporting, PP3.

Ambry Genetics
Classification: Uncertain significance for Cardiovascular phenotype; Hereditary cancer-predisposing syndrome. Last evaluated: 2023-04-09. Review status: criteria provided, single submitter. Criteria: Ambry Variant Classification Scheme 2023. Collection method: clinical testing. Allele origin: germline.
Comment: The p.G301C variant (also known as c.901G>T), located in coding exon 9 of the LZTR1 gene, results from a G to T substitution at nucleotide position 901. The glycine at codon 301 is replaced by cysteine, an amino acid with highly dissimilar properties. This amino acid position is conserved. In addition, this alteration is predicted to be deleterious by in silico analysis. Since supporting evidence is limited at this time, the clinical significance of this alteration remains unclear.

NM_006767.4(LZTR1):c.901G>T (p.Gly301Cys)

Gene: LZTR1 (leucine zipper like post translational regulator 1; plus strand). Cytogenetic location: 22q11.21.
Variant type: single nucleotide variant.
Coding change: c.901G>T on transcript NM_006767.4 (MANE Select); coding-DNA position 901, G replaced by T.
Protein change: p.Gly301Cys; replaces glycine 301 with cysteine.
Molecular consequence: missense variant.
Genome position (GRCh38, 1-based): chr22:20,991,737, G>T. VCF-style: chr22-20991737-G-T. GRCh37 (hg19) VCF-style: chr22-21346026-G-T.
Other names: short protein forms G301C.
Identifiers: ClinVar variation 3238367 (VCV003238367.2), dbSNP rs1372731834.
Genomic context (GRCh38, chr22:20,991,737, plus strand): 5'-CCGCAGCGGCGCTACGGGCATACCATGGTGGCCTTTGACCGCCACCTCTATGTGTTTGGG[G>T]GTGCGGCCGACAACACGCTGCCCAACGAGCTGCACTGCTATGACGTGGACTTCCAGACCT-3'
Protein context (NP_006758.2, residues 291-311): AFDRHLYVFG[Gly301Cys]AADNTLPNEL